The following is an entry in ClinVar:

NM_000321.3(RB1):c.2761G>T (p.Asp921Tyr)

Gene: RB1 (RB transcriptional corepressor 1; plus strand). Cytogenetic location: 13q14.2.
Variant type: single nucleotide variant.
Coding change: c.2761G>T on transcript NM_000321.3 (MANE Select); coding-DNA position 2761, G replaced by T.
Protein change: p.Asp921Tyr; replaces aspartic acid 921 with tyrosine.
Molecular consequence: missense variant. On other transcripts: 3 prime UTR variant (1).
Genome position (GRCh38, 1-based): chr13:48,480,045, G>T. VCF-style: chr13-48480045-G-T. GRCh37 (hg19) VCF-style: chr13-49054181-G-T.
Other names: c.*8G>T (NM_001407165.1); c.211G>T, p.Asp71Tyr (NM_001407168.1); short protein forms D71Y, D921Y.
Identifiers: ClinVar variation 3430938 (VCV003430938.1).

ClinVar aggregate classification (germline): Uncertain significance (1 of 4 stars; one submission).

Conditions:
Hereditary cancer-predisposing syndrome. Also called: Neoplastic Syndromes, Hereditary; Tumor predisposition; Hereditary Cancer Syndrome; Hereditary neoplastic syndrome. Identifiers: Orphanet 140162, MedGen C0027672, MeSH D009386, MONDO:0015356.

Submission:

Ambry Genetics
Classification: Uncertain significance for Hereditary cancer-predisposing syndrome. Last evaluated: 2024-12-08. Review status: criteria provided, single submitter. Criteria: Ambry Variant Classification Scheme 2023. Collection method: clinical testing. Allele origin: germline.
Comment: The p.D921Y variant (also known as c.2761G>T), located in coding exon 27 of the RB1 gene, results from a G to T substitution at nucleotide position 2761. The aspartic acid at codon 921 is replaced by tyrosine, an amino acid with highly dissimilar properties. This amino acid position is conserved. In addition, the in silico prediction for this alteration is inconclusive. Based on the available evidence, the clinical significance of this variant remains unclear.